The following is an entry in ClinVar:

ClinVar aggregate classification (germline): Likely benign. Review status: criteria provided, multiple submitters, no conflicts (2 of 4 stars). 3 submissions from 3 submitters: Likely benign (3). Last evaluated 2026-06-01.

Conditions:
Brugada syndrome. Also called: Sudden Unexplained Death Syndrome; Sudden Unexplained Nocturnal Death Syndrome (SUNDS); Sudden unexpected nocturnal death syndrome; Sudden unexplained nocturnal death syndrome. Identifiers: Orphanet 130, MedGen C1142166, MONDO:0015263.
Cardiovascular phenotype. Identifiers: MedGen CN230736.

Allele frequency attached by ClinVar (database versions not stated): ExAC 0.00001; gnomAD 0.00001; gnomAD exomes 0.00001; TOPMed 0.00001.
gnomAD v4.1: 15 of 1,614,010 alleles (0.00093%); highest among the groups gnomAD compares: Admixed American, 0.0017%; no homozygotes.

Submissions (3):

CeGaT Center for Human Genetics Tuebingen
Classification: Likely benign. Last evaluated: 2026-06-01. Review status: criteria provided, single submitter. Criteria: CeGaT Center For Human Genetics Tuebingen Variant Classification Criteria Version 2. Collection method: clinical testing. Allele origin: germline. Affected: yes. Observed: 3 variant alleles.
Comment: SCN10A: BP4, BP7

Labcorp Genetics (formerly Invitae), Labcorp
Classification: Likely benign for Brugada syndrome. Last evaluated: 2025-07-02. Review status: criteria provided, single submitter. Criteria: Invitae Variant Classification Sherloc (09022015). Collection method: clinical testing. Allele origin: germline.

Ambry Genetics
Classification: Likely benign for Cardiovascular phenotype. Last evaluated: 2023-04-14. Review status: criteria provided, single submitter. Criteria: Ambry Variant Classification Scheme 2023. Collection method: clinical testing. Allele origin: germline.

NM_006514.4(SCN10A):c.2208C>T (p.Ile736=)

Gene: SCN10A (sodium voltage-gated channel alpha subunit 10; minus strand). Cytogenetic location: 3p22.2.
Variant type: single nucleotide variant.
Coding change: c.2208C>T on transcript NM_006514.4 (MANE Select); coding-DNA position 2208, C replaced by T.
Protein change: p.Ile736=; no amino-acid change (isoleucine 736 retained).
Molecular consequence: synonymous variant.
Genome position (GRCh38, 1-based): chr3:38,739,587, G>A on the plus strand (C>T on the coding strand, the complement: SCN10A is on the minus strand). VCF-style: chr3-38739587-G-A. GRCh37 (hg19) VCF-style: chr3-38781078-G-A.
Other names: c.2208C>T (NM_006514.2); c.2208C>T, p.Ile736= (NM_001293306.2); c.1914C>T, p.Ile638= (NM_001293307.2).
Identifiers: ClinVar variation 1103756 (VCV001103756.33), dbSNP rs754351607, ClinGen allele CA2320611.